The following is an entry in ClinVar:

ClinVar aggregate classification (germline): Conflicting classifications of pathogenicity. Review status: criteria provided, conflicting classifications (1 of 4 stars). 6 submissions from 5 submitters: Uncertain significance (2); Benign (1); Likely benign (3). Last evaluated 2026-09-23.

Conditions:
NF1-related disorder. Also called: NF1-related condition. Identifiers: MedGen CN379171.
Cardiovascular phenotype. Identifiers: MedGen CN230736.
Hereditary cancer-predisposing syndrome. Also called: Neoplastic Syndromes, Hereditary; Tumor predisposition; Hereditary neoplastic syndrome; Hereditary Cancer Syndrome. Identifiers: Orphanet 140162, MedGen C0027672, MeSH D009386, MONDO:0015356.
Neurofibromatosis, type 1 (NF1). Also called: VON RECKLINGHAUSEN DISEASE; Peripheral type neurofibromatosis; Neurofibromatosis, type I; NEUROFIBROMATOSIS, TYPE I, SOMATIC. Identifiers: Orphanet 636, MedGen C0027831, MONDO:0018975, OMIM 162200. Disease mechanism: loss of function.

Submissions (6):

PreventionGenetics, part of Exact Sciences
Classification: Likely benign for NF1-related condition. Last evaluated: 2026-09-23. Review status: criteria provided, single submitter. Criteria: ACMG Guidelines, 2015. Collection method: clinical testing. Allele origin: germline.
Comment: This variant is classified as likely benign based on ACMG/AMP sequence variant interpretation guidelines (Richards et al. 2015 PMID: 25741868, with internal and published modifications).

Myriad Genetics, Inc.
Classification: Likely benign for Neurofibromatosis, type 1. Last evaluated: 2026-05-13. Review status: criteria provided, single submitter. Criteria: Myriad Autosomal Dominant, Autosomal Recessive and X-Linked Classification Criteria (2023). Collection method: clinical testing. Allele origin: unknown.
Comment: This variant is considered likely benign. This variant is intronic and is not expected to impact mRNA splicing.

Quest Diagnostics Nichols Institute San Juan Capistrano
Classification: Uncertain significance. Last evaluated: 2025-06-12. Review status: criteria provided, single submitter. Criteria: Quest Diagnostics criteria. Collection method: clinical testing. Allele origin: unknown.

Labcorp Genetics (formerly Invitae), Labcorp
Classification: Benign for Neurofibromatosis, type 1. Last evaluated: 2025-06-11. Review status: criteria provided, single submitter. Criteria: Invitae Variant Classification Sherloc (09022015). Collection method: clinical testing. Allele origin: germline.

Ambry Genetics
Classification: Likely benign for Cardiovascular phenotype; Hereditary cancer-predisposing syndrome. Last evaluated: 2023-08-22. Review status: criteria provided, single submitter. Criteria: Ambry Variant Classification Scheme 2023. Collection method: clinical testing. Allele origin: germline.

Ambry Genetics
Classification: Uncertain significance for Hereditary cancer-predisposing syndrome. Last evaluated: 2014-07-14. Review status: criteria provided, single submitter. Criteria: Ambry Autosomal Dominant and X-Linked criteria (10/2015). Collection method: clinical testing. Allele origin: germline. Observed: 1 variant allele.
Comment: There is insufficient or conflicting evidence for classification of this alteration.

NM_001042492.3(NF1):c.3975-5dup

Gene: NF1 (neurofibromin 1; plus strand). Cytogenetic location: 17q11.2.
Variant type: Duplication.
Coding change: c.3975-5dup on transcript NM_001042492.3 (MANE Select); 5 bases into the intron before coding-DNA position 3975, one base duplicated (T; older notation c.3975-5dupT).
Molecular consequence: intron variant.
Genome position (GRCh38, 1-based): chr17:31,248,979, T duplicated; the last of 7 consecutive T bases (chr17:31,248,973-31,248,979); duplicating any one gives the same sequence. VCF-style (leftmost placement, unchanged base first): chr17-31248972-A-AT. GRCh37 (hg19) VCF-style: chr17-29575990-A-AT.
Other names: c.3975-5dupT (NM_001042492.2, NM_000267.3); c.3975-5dup (NM_000267.4, NM_000267.3).
Identifiers: ClinVar variation 185507 (VCV000185507.15), dbSNP rs786202231, ClinGen allele CA192148.